The following is an entry in ClinVar:

ClinVar aggregate classification (germline): Uncertain significance (1 of 4 stars; one submission).

Submission:

GeneDx
Classification: Uncertain significance. Last evaluated: 2025-08-12. Review status: criteria provided, single submitter. Criteria: GeneDx Variant Classification Process June 2021. Collection method: clinical testing. Allele origin: germline. Affected: yes.
Comment: Not observed at significant frequency in large population cohorts (gnomAD); In silico analysis supports that this missense variant has a deleterious effect on protein structure/function; Has not been previously published as pathogenic or benign to our knowledge

NM_001349338.3(FOXP1):c.879T>G (p.His293Gln)

Gene: FOXP1 (forkhead box P1; minus strand). Cytogenetic location: 3p13.
Variant type: single nucleotide variant.
Coding change: c.879T>G on transcript NM_001349338.3 (MANE Select); coding-DNA position 879, T replaced by G.
Protein change: p.His293Gln; replaces histidine 293 with glutamine.
Molecular consequence: missense variant. On other transcripts: non-coding transcript variant (2).
Genome position (GRCh38, 1-based): chr3:71,015,644, A>C on the plus strand (T>G on the coding strand, the complement: FOXP1 is on the minus strand). VCF-style: chr3-71015644-A-C. GRCh37 (hg19) VCF-style: chr3-71064795-A-C.
Other names: c.879T>G, p.His293Gln (NM_001244808.3, NM_001244810.2, NM_001244814.3 and 3 more transcripts); c.651T>G, p.His217Gln (NM_001244812.3); c.579T>G, p.His193Gln (NM_001244813.3, NM_001244815.2, NM_001349342.3 and 1 more transcripts); c.576T>G, p.His192Gln (NM_001349337.2, NM_001349343.3, NM_001349344.3); c.876T>G, p.His292Gln (NM_001349341.3); short protein forms H193Q, H293Q, H192Q, H292Q, H217Q.
Identifiers: ClinVar variation 4795719 (VCV004795719.1).
Genomic context (GRCh38, chr3:71,015,644, plus strand): 5'-ACAGCCTGGCCACTTGCATACACCATGTCCATAGAGAGGATGGCTATGGGGGTGCTCCTC[A>C]TGGGACAAACTGAAAGAAAACACACAGAAGACCAGAGAATGAATTTGCTGCCAAGAACCA-3'
Protein context (NP_001336267.1, residues 283-303): VHTPKRESLS[His293Gln]EEHPHSHPLY